The following is an entry in ClinVar:

ClinVar aggregate classification (germline): Uncertain significance (1 of 4 stars; one submission).

Allele frequency attached by ClinVar (database versions not stated): gnomAD exomes below 0.00001.
gnomAD v4.1: 3 of 1,612,830 alleles (0.00019%); highest among the groups gnomAD compares: Middle Eastern, 0.017%; no homozygotes.

Submission:

Ambry Genetics
Classification: Uncertain significance. Last evaluated: 2021-10-05. Review status: criteria provided, single submitter. Criteria: Ambry Variant Classification Scheme 2023. Collection method: clinical testing. Allele origin: germline.
Comment: The p.L45I variant (also known as c.133C>A), located in coding exon 1 of the TERF2IP gene, results from a C to A substitution at nucleotide position 133. The leucine at codon 45 is replaced by isoleucine, an amino acid with highly similar properties. This amino acid position is conserved. In addition, this alteration is predicted to be tolerated by in silico analysis. Since supporting evidence is limited at this time, the clinical significance of this alteration remains unclear.

NM_018975.4(TERF2IP):c.133C>A (p.Leu45Ile)

Gene: TERF2IP (TERF2 interacting protein; plus strand). Cytogenetic location: 16q23.1.
Variant type: single nucleotide variant.
Coding change: c.133C>A on transcript NM_018975.4 (MANE Select); coding-DNA position 133, C replaced by A.
Protein change: p.Leu45Ile; replaces leucine 45 with isoleucine.
Molecular consequence: missense variant. On other transcripts: non-coding transcript variant (1).
Genome position (GRCh38, 1-based): chr16:75,648,015, C>A. VCF-style: chr16-75648015-C-A. GRCh37 (hg19) VCF-style: chr16-75681913-C-A.
Other names: short protein forms L45I.
Identifiers: ClinVar variation 1770315 (VCV001770315.2), dbSNP rs1266936735, ClinGen allele CA396817292.